The following is an entry in ClinVar:

ClinVar aggregate classification (germline): Likely benign (0 of 4 stars; one submission).

Conditions:
ATP8B1-related disorder. Also called: ATP8B1-related condition; ATP8B1-related disorders.

Submission:

PreventionGenetics, part of Exact Sciences
Classification: Likely benign for ATP8B1-related condition. Last evaluated: 2024-08-19. Review status: no assertion criteria provided. Collection method: clinical testing. Allele origin: germline.
Comment: This variant is classified as likely benign based on ACMG/AMP sequence variant interpretation guidelines (Richards et al. 2015 PMID: 25741868, with internal and published modifications).

NM_001374385.1(ATP8B1):c.2943G>A (p.Glu981=)

Genes: ATP8B1 (ATPase phospholipid transporting 8B1; minus strand), ATP8B1-AS1 (ATP8B1 antisense RNA 1; plus strand). Cytogenetic location: 18q21.31.
Variant type: single nucleotide variant.
Coding change: c.2943G>A on transcript NM_001374385.1 (MANE Select); coding-DNA position 2943, G replaced by A.
Protein change: p.Glu981=; no amino-acid change (glutamic acid 981 retained).
Molecular consequence: synonymous variant.
Genome position (GRCh38, 1-based): chr18:57,654,064, C>T on the plus strand (G>A on the coding strand, the complement: ATP8B1 is on the minus strand). VCF-style: chr18-57654064-C-T. GRCh37 (hg19) VCF-style: chr18-55321296-C-T.
Other names: c.2793G>A, p.Glu931= (NM_001374386.1); c.2943G>A, p.Glu981= (NM_005603.6).
Identifiers: ClinVar variation 3354675 (VCV003354675.1).